The following is an entry in ClinVar:

ClinVar aggregate classification (germline): Uncertain significance (1 of 4 stars; one submission).

Conditions:
Inborn genetic diseases. Identifiers: MedGen C0950123, MeSH D030342.

Submission:

Ambry Genetics
Classification: Uncertain significance for Inborn genetic diseases. Last evaluated: 2025-12-20. Review status: criteria provided, single submitter. Criteria: Ambry Variant Classification Scheme 2023. Collection method: clinical testing. Allele origin: germline.
Comment: The p.I209N variant (also known as c.626T>A), located in coding exon 5 of the ETV6 gene, results from a T to A substitution at nucleotide position 626. The isoleucine at codon 209 is replaced by asparagine, an amino acid with dissimilar properties. This amino acid position is conserved. In addition, this alteration is predicted to be tolerated by in silico analysis. Based on the available evidence, the clinical significance of this variant remains unclear.

NM_001987.5(ETV6):c.626T>A (p.Ile209Asn)

Gene: ETV6 (ETS variant transcription factor 6; plus strand). Cytogenetic location: 12p13.2.
Variant type: single nucleotide variant.
Coding change: c.626T>A on transcript NM_001987.5 (MANE Select); coding-DNA position 626, T replaced by A.
Protein change: p.Ile209Asn; replaces isoleucine 209 with asparagine.
Molecular consequence: missense variant.
Genome position (GRCh38, 1-based): chr12:11,869,586, T>A. VCF-style: chr12-11869586-T-A. GRCh37 (hg19) VCF-style: chr12-12022520-T-A.
Other names: c.623T>A, p.Ile208Asn (NM_001413913.1); c.599T>A, p.Ile200Asn (NM_001413914.1); c.362T>A, p.Ile121Asn (NM_001413915.1); c.626T>A, p.Ile209Asn (NM_001413916.1, NM_001413917.1); short protein forms I200N, I121N, I209N, I208N.
Identifiers: ClinVar variation 4842515 (VCV004842515.1).